The following is an entry in ClinVar:

ClinVar aggregate classification (germline): Likely pathogenic (1 of 4 stars; one submission).

Submission:

Labcorp Genetics (formerly Invitae), Labcorp
Classification: Likely pathogenic. Last evaluated: 2024-09-12. Review status: criteria provided, single submitter. Criteria: Invitae Variant Classification Sherloc (09022015). Collection method: clinical testing. Allele origin: germline.
Comment: This sequence change replaces glycine, which is neutral and non-polar, with cysteine, which is neutral and slightly polar, at codon 548 of the COL4A5 protein (p.Gly548Cys). This variant is not present in population databases (gnomAD no frequency). This variant has not been reported in the literature in individuals affected with COL4A5-related conditions. Invitae Evidence Modeling of protein sequence and biophysical properties (such as structural, functional, and spatial information, amino acid conservation, physicochemical variation, residue mobility, and thermodynamic stability) indicates that this missense variant is expected to disrupt COL4A5 protein function with a positive predictive value of 95%. This variant disrupts the p.Gly548 amino acid residue in COL4A5. Other variant(s) that disrupt this residue have been determined to be pathogenic (PMID: 19919694, 20378821). This suggests that this residue is clinically significant, and that variants that disrupt this residue are likely to be disease-causing. In summary, the currently available evidence indicates that the variant is pathogenic, but additional data are needed to prove that conclusively. Therefore, this variant has been classified as Likely Pathogenic.

Literature cited by the submitters: PubMed 19919694; PubMed 20378821.

NM_033380.3(COL4A5):c.1642G>T (p.Gly548Cys)

Gene: COL4A5 (collagen type IV alpha 5 chain; plus strand). Cytogenetic location: Xq22.3.
Variant type: single nucleotide variant.
Coding change: c.1642G>T on transcript NM_033380.3 (MANE Select); coding-DNA position 1642, G replaced by T.
Protein change: p.Gly548Cys; replaces glycine 548 with cysteine.
Molecular consequence: missense variant.
Genome position (GRCh38, 1-based): chrX:108,597,431, G>T. VCF-style: chrX-108597431-G-T. GRCh37 (hg19) VCF-style: chrX-107840661-G-T.
Other names: c.1642G>T, p.Gly548Cys (NM_000495.5); short protein forms G548C.
Identifiers: ClinVar variation 3636317 (VCV003636317.2).
Genomic context (GRCh38, chrX:108,597,431, plus strand): 5'-TTTCAGGGCATTCCAGGAGCTCCAGGTGCTCCAGGCTTTCCTGGATCTAAAGGTGAACCT[G>T]GTGATATCCTCACTTTTCCAGGAATGAAGGGTGACAAAGGAGAGTTGGGTTCCCCTGGAG-3'
Protein context (NP_203699.1, residues 538-558): PGFPGSKGEP[Gly548Cys]DILTFPGMKG